The following is an entry in ClinVar:

NM_006231.4(POLE):c.4625G>A (p.Gly1542Asp)

Gene: POLE (DNA polymerase epsilon, catalytic subunit; minus strand). Cytogenetic location: 12q24.33.
Variant type: single nucleotide variant.
Coding change: c.4625G>A on transcript NM_006231.4 (MANE Select); coding-DNA position 4625, G replaced by A.
Protein change: p.Gly1542Asp; replaces glycine 1542 with aspartic acid.
Molecular consequence: missense variant.
Genome position (GRCh38, 1-based): chr12:132,642,923, C>T on the plus strand (G>A on the coding strand, the complement: POLE is on the minus strand). VCF-style: chr12-132642923-C-T. GRCh37 (hg19) VCF-style: chr12-133219509-C-T.
Other names: c.4625G>A (NM_006231.2); short protein forms G1542D.
Identifiers: ClinVar variation 2903693 (VCV002903693.4), dbSNP rs747226226, ClinGen allele CA387379124.

ClinVar aggregate classification (germline): Conflicting classifications of pathogenicity. Review status: criteria provided, conflicting classifications (1 of 4 stars). 2 submissions from 2 submitters: Uncertain significance (1); Likely benign (1). Last evaluated 2025-09-05.

Conditions:
Hereditary cancer-predisposing syndrome. Also called: Hereditary Cancer Syndrome; Hereditary neoplastic syndrome; Tumor predisposition; Neoplastic Syndromes, Hereditary. Identifiers: Orphanet 140162, MedGen C0027672, MeSH D009386, MONDO:0015356.

Submissions (2):

Ambry Genetics
Classification: Likely benign for Hereditary cancer-predisposing syndrome. Last evaluated: 2025-09-05. Review status: criteria provided, single submitter. Criteria: Ambry Variant Classification Scheme 2023. Collection method: clinical testing. Allele origin: germline.

Labcorp Genetics (formerly Invitae), Labcorp
Classification: Uncertain significance. Last evaluated: 2023-06-30. Review status: criteria provided, single submitter. Criteria: Invitae Variant Classification Sherloc (09022015). Collection method: clinical testing. Allele origin: germline.
Comment: This sequence change replaces glycine, which is neutral and non-polar, with aspartic acid, which is acidic and polar, at codon 1542 of the POLE protein (p.Gly1542Asp). This variant is not present in population databases (gnomAD no frequency). This variant has not been reported in the literature in individuals affected with POLE-related conditions. Advanced modeling of protein sequence and biophysical properties (such as structural, functional, and spatial information, amino acid conservation, physicochemical variation, residue mobility, and thermodynamic stability) performed at Invitae indicates that this missense variant is not expected to disrupt POLE protein function. In summary, the available evidence is currently insufficient to determine the role of this variant in disease. Therefore, it has been classified as a Variant of Uncertain Significance.